The following is an entry in ClinVar:

ClinVar aggregate classification (germline): Uncertain significance (1 of 4 stars; one submission).

Conditions:
Ehlers-Danlos syndrome, classic type, 1 (EDSCL1). Also called: Ehlers-Danlos Syndrome, Classic Type, COL5A1-Related; EDS I; Ehlers-Danlos syndrome, type 1; EHLERS-DANLOS SYNDROME, GRAVIS TYPE; EHLERS-DANLOS SYNDROME, SEVERE CLASSIC TYPE. Identifiers: MedGen C0268335, MONDO:0019567, OMIM 130000.

Submission:

Labcorp Genetics (formerly Invitae), Labcorp
Classification: Uncertain significance for Ehlers-Danlos syndrome, classic type, 1. Last evaluated: 2023-07-07. Review status: criteria provided, single submitter. Criteria: Invitae Variant Classification Sherloc (09022015). Collection method: clinical testing. Allele origin: germline.
Comment: In summary, the available evidence is currently insufficient to determine the role of this variant in disease. Therefore, it has been classified as a Variant of Uncertain Significance. This sequence change replaces aspartic acid, which is acidic and polar, with histidine, which is basic and polar, at codon 840 of the COL5A1 protein (p.Asp840His). This variant is not present in population databases (gnomAD no frequency). This variant has not been reported in the literature in individuals affected with COL5A1-related conditions. ClinVar contains an entry for this variant (Variation ID: 577293). Advanced modeling of protein sequence and biophysical properties (such as structural, functional, and spatial information, amino acid conservation, physicochemical variation, residue mobility, and thermodynamic stability) has been performed at Invitae for this missense variant, however the output from this modeling did not meet the statistical confidence thresholds required to predict the impact of this variant on COL5A1 protein function.

NM_000093.5(COL5A1):c.2518G>C (p.Asp840His)

Gene: COL5A1 (collagen type V alpha 1 chain; plus strand). Cytogenetic location: 9q34.3.
Variant type: single nucleotide variant.
Coding change: c.2518G>C on transcript NM_000093.5 (MANE Select); coding-DNA position 2518, G replaced by C.
Protein change: p.Asp840His; replaces aspartic acid 840 with histidine.
Molecular consequence: missense variant.
Genome position (GRCh38, 1-based): chr9:134,785,022, G>C. VCF-style: chr9-134785022-G-C. GRCh37 (hg19) VCF-style: chr9-137676868-G-C.
Other names: c.2518G>C, p.Asp840His (NM_001278074.1); short protein forms D840H.
Identifiers: ClinVar variation 577293 (VCV000577293.10), dbSNP rs1564457054, ClinGen allele CA375454367.